The following is an entry in ClinVar:

NM_005458.8(GABBR2):c.1895C>T (p.Pro632Leu)

Gene: GABBR2 (gamma-aminobutyric acid type B receptor subunit 2; minus strand). Cytogenetic location: 9q22.33.
Variant type: single nucleotide variant.
Coding change: c.1895C>T on transcript NM_005458.8 (MANE Select); coding-DNA position 1895, C replaced by T.
Protein change: p.Pro632Leu; replaces proline 632 with leucine.
Molecular consequence: missense variant.
Genome position (GRCh38, 1-based): chr9:98,311,204, G>A on the plus strand (C>T on the coding strand, the complement: GABBR2 is on the minus strand). VCF-style: chr9-98311204-G-A. GRCh37 (hg19) VCF-style: chr9-101073486-G-A.
Other names: short protein forms P632L.
Identifiers: ClinVar variation 935885 (VCV000935885.9), dbSNP rs775001610, ClinGen allele CA5152575.
Genomic context (GRCh38, chr9:98,311,204, plus strand): 5'-TGGGTGTTCTCACAGTGCTCCAGGAGAGGGCGGATGGAGATATCCCGTCCTGCTGGGTCC[G>A]GCTGTGCAAAGAGAAAACAGAGACTCAGGGATGGCACAGGACACTCTTCCAGCAACTGGG-3'
Protein context (NP_005449.5, residues 622-642): RRTVEKYSME[Pro632Leu]DPAGRDISIR

ClinVar aggregate classification (germline): Uncertain significance (1 of 4 stars; one submission).

Conditions:
Epileptic encephalopathy. Identifiers: MedGen C0543888, HP:0200134.

Allele frequency attached by ClinVar (database versions not stated): gnomAD exomes below 0.00001; ExAC 0.00001.
gnomAD v4.1: 2 of 1,605,456 alleles (0.00012%); highest among the groups gnomAD compares: South Asian, 0.0011%; no homozygotes.

Submission:

Labcorp Genetics (formerly Invitae), Labcorp
Classification: Uncertain significance for Epileptic encephalopathy. Last evaluated: 2025-07-27. Review status: criteria provided, single submitter. Criteria: Invitae Variant Classification Sherloc (09022015). Collection method: clinical testing. Allele origin: germline.
Comment: This sequence change replaces proline, which is neutral and non-polar, with leucine, which is neutral and non-polar, at codon 632 of the GABBR2 protein (p.Pro632Leu). This variant is present in population databases (rs775001610, gnomAD 0.003%). This variant has not been reported in the literature in individuals affected with GABBR2-related conditions. ClinVar contains an entry for this variant (Variation ID: 935885). An algorithm developed to predict the effect of missense changes on protein structure and function (PolyPhen-2) suggests that this variant is likely to be tolerated. In summary, the available evidence is currently insufficient to determine the role of this variant in disease. Therefore, it has been classified as a Variant of Uncertain Significance.